The following is an entry in ClinVar:

ClinVar aggregate classification (germline): Uncertain significance (1 of 4 stars; one submission).

Conditions:
Cardiovascular phenotype. Identifiers: MedGen CN230736.

gnomAD v4.1: 6 of 1,612,546 alleles (0.00037%); highest among the groups gnomAD compares: South Asian, 0.0044%; no homozygotes.

Submission:

Ambry Genetics
Classification: Uncertain significance for Cardiovascular phenotype. Last evaluated: 2026-01-20. Review status: criteria provided, single submitter. Criteria: Ambry Variant Classification Scheme 2023. Collection method: clinical testing. Allele origin: germline.
Comment: The c.-5C>T variant is located in the 5' untranslated region (5&rsquo;UTR) of the LDB3 gene. This variant results from a C to T substitution 5 nucleotides upstream from the first translated codon. This nucleotide position is not well conserved in available vertebrate species. Based on the available evidence, the clinical significance of this variant remains unclear.

NM_007078.3(LDB3):c.-5C>T

Genes: LDB3 (LIM domain binding 3; plus strand), LOC130004243 (ATAC-STARR-seq lymphoblastoid active region 3695; plus strand). Cytogenetic location: 10q23.2.
Variant type: single nucleotide variant.
Coding change: c.-5C>T on transcript NM_007078.3 (MANE Select); 5 bases upstream of the start codon, C replaced by T.
Molecular consequence: 5 prime UTR variant.
Genome position (GRCh38, 1-based): chr10:86,668,687, C>T. VCF-style: chr10-86668687-C-T. GRCh37 (hg19) VCF-style: chr10-88428444-C-T.
Other names: c.-5C>T (NM_001080114.2, NM_001080115.2, NM_001080116.1 and 8 more transcripts).
Identifiers: ClinVar variation 4841946 (VCV004841946.1).